The following is an entry in ClinVar:

NM_152564.5(VPS13B):c.10224A>T (p.Glu3408Asp)

Gene: VPS13B (vacuolar protein sorting 13 homolog B; plus strand). Cytogenetic location: 8q22.2.
Variant type: single nucleotide variant.
Coding change: c.10224A>T on transcript NM_152564.5 (MANE Select); coding-DNA position 10224, A replaced by T.
Protein change: p.Glu3408Asp; replaces glutamic acid 3408 with aspartic acid.
Molecular consequence: missense variant.
Genome position (GRCh38, 1-based): chr8:99,853,613, A>T. VCF-style: chr8-99853613-A-T. GRCh37 (hg19) VCF-style: chr8-100865841-A-T.
Other names: c.10299A>T, p.Glu3433Asp (NM_017890.5); short protein forms E3408D, E3433D.
Identifiers: ClinVar variation 2180741 (VCV002180741.2), dbSNP rs1424195641, ClinGen allele CA371781057.

ClinVar aggregate classification (germline): Uncertain significance. Review status: criteria provided, single submitter (1 of 4 stars). 2 submissions from 2 submitters: Uncertain significance (1). 1 of the submissions does not count toward it. Last evaluated 2022-08-07.

Conditions:
VPS13B-related disorder. Also called: VPS13B-related condition.
Cohen syndrome (COH1). Also called: PEPPER SYNDROME; Cutis verticis gyrata, retinitis pigmentosa, and sensorineural deafness. Identifiers: Orphanet 193, MedGen C0265223, MONDO:0008999, OMIM 216550.

Allele frequency attached by ClinVar (database versions not stated): gnomAD exomes below 0.00001; gnomAD 0.00001; TOPMed 0.00001.
gnomAD v4.1: 3 of 1,614,048 alleles (0.00019%); highest among the groups gnomAD compares: Non-Finnish European, 0.00017%; no homozygotes.

Submissions (2):

Labcorp Genetics (formerly Invitae), Labcorp
Classification: Uncertain significance for Cohen syndrome. Last evaluated: 2022-08-07. Review status: criteria provided, single submitter. Criteria: Invitae Variant Classification Sherloc (09022015). Collection method: clinical testing. Allele origin: germline.
Comment: This sequence change replaces glutamic acid, which is acidic and polar, with aspartic acid, which is acidic and polar, at codon 3433 of the VPS13B protein (p.Glu3433Asp). This variant is not present in population databases (gnomAD no frequency). This variant has not been reported in the literature in individuals affected with VPS13B-related conditions. Algorithms developed to predict the effect of missense changes on protein structure and function are either unavailable or do not agree on the potential impact of this missense change (SIFT: "Not Available"; PolyPhen-2: "Benign"; Align-GVGD: "Not Available"). In summary, the available evidence is currently insufficient to determine the role of this variant in disease. Therefore, it has been classified as a Variant of Uncertain Significance.

PreventionGenetics, part of Exact Sciences
Classification: Uncertain significance for VPS13B-related condition. Last evaluated: 2024-08-28. Review status: no assertion criteria provided. Collection method: clinical testing. Allele origin: germline. Not counted in ClinVar's aggregate classification.
Comment: The VPS13B c.10224A>T variant is predicted to result in the amino acid substitution p.Glu3408Asp. To our knowledge, this variant has not been reported in the literature or in a large population database, indicating this variant is rare. At this time, the clinical significance of this variant is uncertain due to the absence of conclusive functional and genetic evidence.